The following is an entry in ClinVar:

ClinVar aggregate classification (germline): Uncertain significance (1 of 4 stars; one submission).

Conditions:
Kennedy disease (SMAX1). Also called: SPINAL AND BULBAR MUSCULAR ATROPHY, X-LINKED 1; KENNEDY SPINAL AND BULBAR MUSCULAR ATROPHY; Spinal and Bulbar Muscular Atrophy. Identifiers: Orphanet 481, MedGen C1839259, MONDO:0010735, OMIM 313200.
Androgen resistance syndrome (AIS). Also called: DHTR DEFICIENCY; DIHYDROTESTOSTERONE RECEPTOR DEFICIENCY; ANDROGEN RECEPTOR DEFICIENCY; TESTICULAR FEMINIZATION SYNDROME; Androgen insensitivity syndrome; Androgen insensitivity. Identifiers: Orphanet 754, Orphanet 99429, MedGen C0039585, MONDO:0019154, OMIM 300068. Disease mechanism: loss of function.

Submission:

Labcorp Genetics (formerly Invitae), Labcorp
Classification: Uncertain significance for Kennedy disease; Androgen resistance syndrome. Last evaluated: 2022-11-17. Review status: criteria provided, single submitter. Criteria: Invitae Variant Classification Sherloc (09022015). Collection method: clinical testing. Allele origin: germline.
Comment: This sequence change replaces methionine, which is neutral and non-polar, with arginine, which is basic and polar, at codon 788 of the AR protein (p.Met788Arg). This variant is not present in population databases (gnomAD no frequency). This variant has not been reported in the literature in individuals affected with AR-related conditions. Advanced modeling of protein sequence and biophysical properties (such as structural, functional, and spatial information, amino acid conservation, physicochemical variation, residue mobility, and thermodynamic stability) has been performed at Invitae for this missense variant, however the output from this modeling did not meet the statistical confidence thresholds required to predict the impact of this variant on AR protein function. In summary, the available evidence is currently insufficient to determine the role of this variant in disease. Therefore, it has been classified as a Variant of Uncertain Significance. This variant disrupts the p.Met788 amino acid residue in AR. Other variant(s) that disrupt this residue have been determined to be pathogenic (PMID: 20150575). This suggests that this residue is clinically significant, and that variants that disrupt this residue are likely to be disease-causing.

Literature cited by the submitters: PubMed 20150575.

NM_000044.6(AR):c.2363T>G (p.Met788Arg)

Gene: AR (androgen receptor; plus strand). Cytogenetic location: Xq12.
Variant type: single nucleotide variant.
Coding change: c.2363T>G on transcript NM_000044.6 (MANE Select); coding-DNA position 2363, T replaced by G.
Protein change: p.Met788Arg; replaces methionine 788 with arginine.
Molecular consequence: missense variant.
Genome position (GRCh38, 1-based): chrX:67,721,877, T>G. VCF-style: chrX-67721877-T-G. GRCh37 (hg19) VCF-style: chrX-66941719-T-G.
Other names: c.767T>G, p.Met256Arg (NM_001011645.3); c.2366T>G, p.Met789Arg (NM_001424175.1); short protein forms M789R, M256R, M788R.
Identifiers: ClinVar variation 2941400 (VCV002941400.3), dbSNP rs2147535718, ClinGen allele CA413426598.